The following is an entry in ClinVar:

ClinVar aggregate classification (germline): Uncertain significance (1 of 4 stars; one submission).

Submission:

GeneDx
Classification: Uncertain significance. Last evaluated: 2025-04-08. Review status: criteria provided, single submitter. Criteria: GeneDx Variant Classification Process June 2021. Collection method: clinical testing. Allele origin: germline. Affected: yes.
Comment: Not observed at significant frequency in large population cohorts (gnomAD); In silico analysis supports that this missense variant has a deleterious effect on protein structure/function; Has not been previously published as pathogenic or benign to our knowledge

NM_020987.5(ANK3):c.13031A>G (p.His4344Arg)

Gene: ANK3 (ankyrin 3; minus strand). Cytogenetic location: 10q21.2.
Variant type: single nucleotide variant.
Coding change: c.13031A>G on transcript NM_020987.5 (MANE Select); coding-DNA position 13031, A replaced by G.
Protein change: p.His4344Arg; replaces histidine 4344 with arginine.
Molecular consequence: missense variant.
Genome position (GRCh38, 1-based): chr10:60,055,692, T>C on the plus strand (A>G on the coding strand, the complement: ANK3 is on the minus strand). VCF-style: chr10-60055692-T-C. GRCh37 (hg19) VCF-style: chr10-61815450-T-C.
Other names: c.2903A>G, p.His968Arg (NM_001149.4); c.5483A>G, p.His1828Arg (NM_001204403.2); c.5504A>G, p.His1835Arg (NM_001204404.2); c.5501A>G, p.His1834Arg (NM_001320874.2); short protein forms H1828R, H1834R, H1835R, H4344R, H968R.
Identifiers: ClinVar variation 4281979 (VCV004281979.1).
Genomic context (GRCh38, chr10:60,055,692, plus strand): 5'-TGCTACCGGATGACCAGATGACGTACCTTTTGCTCAGACCCACTGGACCCCTCTTCTTCA[T>C]GGAGGCTAAGCCTTGGCTTGCCATCTGCTGGAGAAGTCCTACTCATCTTTTTCATACTGA-3'
Protein context (NP_066267.2, residues 4334-4354): PADGKPRLSL[His4344Arg]EEEGSSGSEQ